The following is an entry in ClinVar:

ClinVar aggregate classification (germline): Uncertain significance. Review status: criteria provided, multiple submitters, no conflicts (2 of 4 stars). 4 submissions from 4 submitters: Uncertain significance (3). 1 of the submissions does not count toward it. Last evaluated 2025-04-07.

Conditions:
Hereditary cancer-predisposing syndrome. Also called: Hereditary Cancer Syndrome; Neoplastic Syndromes, Hereditary; Tumor predisposition; Hereditary neoplastic syndrome. Identifiers: Orphanet 140162, MedGen C0027672, MeSH D009386, MONDO:0015356.
Microcephaly, normal intelligence and immunodeficiency (NBS). Also called: BERLIN BREAKAGE SYNDROME; Ataxia telangiectasia variant V1; IMMUNODEFICIENCY, MICROCEPHALY, AND CHROMOSOMAL INSTABILITY; SEEMANOVA SYNDROME II; Nijmegen breakage syndrome; Microcephaly with normal intelligence immunodeficiency and lymphoreticular malignancies. Identifiers: Orphanet 647, MedGen C0398791, MONDO:0009623, OMIM 251260.

Allele frequency attached by ClinVar (database versions not stated): gnomAD exomes below 0.00001.
gnomAD v4.1: 5 of 1,612,226 alleles (0.00031%); highest among the groups gnomAD compares: East Asian, 0.0089%; no homozygotes.

Submissions (4):

Labcorp Genetics (formerly Invitae), Labcorp
Classification: Uncertain significance for Microcephaly, normal intelligence and immunodeficiency. Last evaluated: 2025-04-07. Review status: criteria provided, single submitter. Criteria: Invitae Variant Classification Sherloc (09022015). Collection method: clinical testing. Allele origin: germline.
Comment: This sequence change replaces glutamic acid, which is acidic and polar, with aspartic acid, which is acidic and polar, at codon 737 of the NBN protein (p.Glu737Asp). This variant is present in population databases (no rsID available, gnomAD 0.01%). This variant has not been reported in the literature in individuals affected with NBN-related conditions. ClinVar contains an entry for this variant (Variation ID: 231721). An algorithm developed to predict the effect of missense changes on protein structure and function outputs the following: PolyPhen-2: "Benign". The aspartic acid amino acid residue is found in multiple mammalian species, which suggests that this missense change does not adversely affect protein function. In summary, the available evidence is currently insufficient to determine the role of this variant in disease. Therefore, it has been classified as a Variant of Uncertain Significance.

Ambry Genetics
Classification: Uncertain significance for Hereditary cancer-predisposing syndrome. Last evaluated: 2023-07-12. Review status: criteria provided, single submitter. Criteria: Ambry Variant Classification Scheme 2023. Collection method: clinical testing. Allele origin: germline.
Comment: The p.E737D variant (also known as c.2211G>T), located in coding exon 15 of the NBN gene, results from a G to T substitution at nucleotide position 2211. The glutamic acid at codon 737 is replaced by aspartic acid, an amino acid with highly similar properties. This amino acid position is well conserved in available vertebrate species. In addition, this alteration is predicted to be tolerated by in silico analysis. Since supporting evidence is limited at this time, the clinical significance of this alteration remains unclear.

Genome-Nilou Lab
Classification: Uncertain significance for Microcephaly, normal intelligence and immunodeficiency. Last evaluated: 2021-11-07. Review status: criteria provided, single submitter. Criteria: ACMG Guidelines, 2015. Collection method: clinical testing. Allele origin: germline. Affected: no.

Natera, Inc.
Classification: Uncertain significance for Nijmegen breakage syndrome. Last evaluated: 2019-11-11. Review status: no assertion criteria provided. Collection method: clinical testing. Allele origin: germline. Not counted in ClinVar's aggregate classification.

NM_002485.5(NBN):c.2211G>T (p.Glu737Asp)

Gene: NBN (nibrin; minus strand). Cytogenetic location: 8q21.3.
Variant type: single nucleotide variant.
Coding change: c.2211G>T on transcript NM_002485.5 (MANE Select); coding-DNA position 2211, G replaced by T.
Protein change: p.Glu737Asp; replaces glutamic acid 737 with aspartic acid.
Molecular consequence: missense variant.
Genome position (GRCh38, 1-based): chr8:89,937,049, C>A on the plus strand (G>T on the coding strand, the complement: NBN is on the minus strand). VCF-style: chr8-89937049-C-A. GRCh37 (hg19) VCF-style: chr8-90949277-C-A.
Other names: c.1965G>T, p.Glu655Asp (NM_001024688.3); short protein forms E737D, E655D.
Identifiers: ClinVar variation 231721 (VCV000231721.22), dbSNP rs753596803, ClinGen allele CA10578742.